The following is an entry in ClinVar:

NM_000393.5(COL5A2):c.3926-25G>C

Gene: COL5A2 (collagen type V alpha 2 chain; minus strand). Cytogenetic location: 2q32.2.
Variant type: single nucleotide variant.
Coding change: c.3926-25G>C on transcript NM_000393.5 (MANE Select); 25 bases into the intron before coding-DNA position 3926, G replaced by C.
Molecular consequence: intron variant.
Genome position (GRCh38, 1-based): chr2:189,036,828, C>G on the plus strand (G>C on the coding strand, the complement: COL5A2 is on the minus strand). VCF-style: chr2-189036828-C-G. GRCh37 (hg19) VCF-style: chr2-189901554-C-G.
Identifiers: ClinVar variation 673595 (VCV000673595.2), dbSNP rs72902319, ClinGen allele CA2021881.

ClinVar aggregate classification (germline): Likely benign. Review status: criteria provided, multiple submitters, no conflicts (2 of 4 stars). 2 submissions from 2 submitters: Likely benign (2). Last evaluated 2018-06-19.

Allele frequency attached by ClinVar (database versions not stated): 1000 Genomes Project 30x 0.00578; 1000 Genomes Project 0.00579; TOPMed 0.01197; gnomAD 0.01264 and 0.01277; gnomAD exomes 0.01285; ESP Exome Variant Server 0.01478; ExAC 0.01769.
gnomAD v4.1: 29,685 of 1,534,248 alleles (1.9%); highest among the groups gnomAD compares: Non-Finnish European, 2.3%; 373 homozygotes.

Submissions (2):

GeneDx
Classification: Likely benign. Last evaluated: 2018-06-19. Review status: criteria provided, single submitter. Criteria: GeneDx Variant Classification (06012015). Collection method: clinical testing. Allele origin: germline. Affected: yes.
Comment: This variant is considered likely benign or benign based on one or more of the following criteria: it is a conservative change, it occurs at a poorly conserved position in the protein, it is predicted to be benign by multiple in silico algorithms, and/or has population frequency not consistent with disease.

Breakthrough Genomics
Classification: Likely benign. Review status: criteria provided, single submitter. Criteria: ACMG Guidelines, 2015. Collection method: not provided. Allele origin: germline. Inheritance: Autosomal dominant inheritance. Affected: yes.